The following is an entry in ClinVar:

NM_005431.2(XRCC2):c.39+13G>C

Gene: XRCC2 (X-ray repair cross complementing 2; minus strand). Cytogenetic location: 7q36.1.
Variant type: single nucleotide variant.
Coding change: c.39+13G>C on transcript NM_005431.2 (MANE Select); 13 bases into the intron after coding-DNA position 39, G replaced by C.
Molecular consequence: intron variant.
Genome position (GRCh38, 1-based): chr7:152,676,028, C>G on the plus strand (G>C on the coding strand, the complement: XRCC2 is on the minus strand). VCF-style: chr7-152676028-C-G. GRCh37 (hg19) VCF-style: chr7-152373113-C-G.
Identifiers: ClinVar variation 516258 (VCV000516258.5), dbSNP rs750274146, ClinGen allele CA4582437.

ClinVar aggregate classification (germline): Likely benign. Review status: criteria provided, multiple submitters, no conflicts (2 of 4 stars). 2 submissions from 2 submitters: Likely benign (2). Last evaluated 2024-03-13.

Allele frequency attached by ClinVar (database versions not stated): ExAC 0.00002.
gnomAD v4.1: 7 of 1,613,746 alleles (0.00043%); highest among the groups gnomAD compares: East Asian, 0.013%; no homozygotes.

Submissions (2):

Labcorp Genetics (formerly Invitae), Labcorp
Classification: Likely benign. Last evaluated: 2024-03-13. Review status: criteria provided, single submitter. Criteria: Invitae Variant Classification Sherloc (09022015). Collection method: clinical testing. Allele origin: germline.

GeneDx
Classification: Likely benign. Last evaluated: 2017-10-06. Review status: criteria provided, single submitter. Criteria: GeneDx Variant Classification (06012015). Collection method: clinical testing. Allele origin: germline. Affected: yes.
Comment: This variant is considered likely benign or benign based on one or more of the following criteria: it is a conservative change, it occurs at a poorly conserved position in the protein, it is predicted to be benign by multiple in silico algorithms, and/or has population frequency not consistent with disease.